The following is an entry in ClinVar:

ClinVar aggregate classification (germline): Conflicting classifications of pathogenicity. Review status: criteria provided, conflicting classifications (1 of 4 stars). 6 submissions from 6 submitters: Uncertain significance (5); Likely benign (1). Last evaluated 2026-08-03.

Conditions:
Inborn genetic diseases. Identifiers: MedGen C0950123, MeSH D030342.
Pyruvate carboxylase deficiency. Also called: LEIGH NECROTIZING ENCEPHALOPATHY DUE TO PYRUVATE CARBOXYLASE DEFICIENCY; LEIGH SYNDROME DUE TO PYRUVATE CARBOXYLASE DEFICIENCY; PC DEFICIENCY; ATAXIA WITH LACTIC ACIDOSIS II; Pyruvate Carboxylase Deficiency Disease. Identifiers: Orphanet 3008, MedGen C0034341, MONDO:0009949, OMIM 266150.

Allele frequency attached by ClinVar (database versions not stated): ExAC 0.00042; 1000 Genomes Project 30x 0.00047; gnomAD exomes 0.00047 and 0.00084; ESP Exome Variant Server 0.00077; TOPMed 0.00058; 1000 Genomes Project 0.00040; gnomAD 0.00059 and 0.00060.
gnomAD v4.1: 1,316 of 1,613,058 alleles (0.082%); highest among the groups gnomAD compares: Non-Finnish European, 0.1%; 2 homozygotes.

Submissions (6):

GeneDx
Classification: Uncertain significance. Last evaluated: 2026-08-03. Review status: criteria provided, single submitter. Criteria: GeneDx Variant Classification Process June 2021. Collection method: clinical testing. Allele origin: germline.
Comment: Observed in homozygous state in a patient in published literature with pyruvate carboxylase deficiency who was homozygous for V166I and homozygous for another missense change in the PC gene that results in a more severe amino acid substitution (PMID: 18676167); In silico analysis suggests that this missense variant does not alter protein structure/function; This variant is associated with the following publications: (PMID: 19026585, 34426522, 18676167)

Labcorp Genetics (formerly Invitae), Labcorp
Classification: Likely benign for Pyruvate carboxylase deficiency. Last evaluated: 2026-01-28. Review status: criteria provided, single submitter. Criteria: Invitae Variant Classification Sherloc (09022015). Collection method: clinical testing. Allele origin: germline.

Women's Health and Genetics/Laboratory Corporation of America, LabCorp
Classification: Uncertain significance. Last evaluated: 2024-10-01. Review status: criteria provided, single submitter. Criteria: LabCorp Variant Classification Summary - May 2015. Collection method: clinical testing. Allele origin: germline.
Comment: Variant summary: PC c.496G>A (p.Val166Ile) results in a conservative amino acid change located in the Carbamoyl-phosphate synthetase large subunit-like, ATP-binding domain (IPR005479) of the encoded protein sequence. Three of five in-silico tools predict a benign effect of the variant on protein function. The variant allele was found at a frequency of 0.00047 in 250760 control chromosomes (gnomAD). This frequency is not significantly higher than estimated for a pathogenic variant in PC causing Pyruvate Carboxylase Deficiency (0.00047 vs 0.0022), allowing no conclusion about variant significance. c.496G>A has been reported at a homozygous state in at-least one individual affected with Pyruvate Carboxylase Deficiency without strong evidence of causality (Wang_2008). Another homozygous missense VUS variant and a heterozygous pathogenic change (PC c.1892G>A, p.Arg631Gln) were also identified in this patient. This report does not provide unequivocal conclusions about association of the variant with Pyruvate Carboxylase Deficiency. To our knowledge, no experimental evidence demonstrating an impact on protein function has been reported. The following publication has been ascertained in the context of this evaluation (PMID: 18676167). To our knowledge, no experimental evidence demonstrating an impact on protein function has been reported. ClinVar contains an entry for this variant (Variation ID: 203919). Based on the evidence outlined above, the variant was classified as uncertain significance.

Ambry Genetics
Classification: Uncertain significance for Inborn genetic diseases. Last evaluated: 2022-02-26. Review status: criteria provided, single submitter. Criteria: Ambry Variant Classification Scheme 2023. Collection method: clinical testing. Allele origin: germline.

Fulgent Genetics
Classification: Uncertain significance for Pyruvate carboxylase deficiency. Last evaluated: 2021-11-08. Review status: criteria provided, single submitter. Criteria: ACMG Guidelines, 2015. Collection method: clinical testing. Allele origin: unknown.

Illumina Laboratory Services, Illumina
Classification: Uncertain significance for Pyruvate carboxylase deficiency. Last evaluated: 2017-04-27. Review status: criteria provided, single submitter. Criteria: ICSL Variant Classification Criteria 13 December 2019. Collection method: clinical testing. Allele origin: germline.
Comment: This variant was observed as part of a predisposition screen in an ostensibly healthy population. A literature search was performed for the gene, cDNA change, and amino acid change (where applicable). Publications were found based on this search. However, the evidence from the literature, in combination with allele frequency data from public databases where available, was not sufficient to rule this variant in or out of causing disease. Therefore, this variant is classified as a variant of unknown significance.

Literature cited by the submitters: PubMed 18676167 (cited by 3 submitters).

NM_001040716.2(PC):c.496G>A (p.Val166Ile)

Gene: PC (pyruvate carboxylase; minus strand). Cytogenetic location: 11q13.2.
Variant type: single nucleotide variant.
Coding change: c.496G>A on transcript NM_001040716.2 (MANE Select); coding-DNA position 496, G replaced by A.
Protein change: p.Val166Ile; replaces valine 166 with isoleucine.
Molecular consequence: missense variant.
Genome position (GRCh38, 1-based): chr11:66,871,189, C>T on the plus strand (G>A on the coding strand, the complement: PC is on the minus strand). VCF-style: chr11-66871189-C-T. GRCh37 (hg19) VCF-style: chr11-66638660-C-T.
Other names: p.V166I:GTT>ATT; c.496G>A (NM_001040716.1); c.496G>A, p.Val166Ile (NM_000920.4, NM_022172.3); short protein forms V166I.
Identifiers: ClinVar variation 203919 (VCV000203919.19), dbSNP rs147697454, ClinGen allele CA312915.
Genomic context (GRCh38, chr11:66,871,189, plus strand): 5'-TGTTGGAGAACTCGTGGGCCTCATGCAGGGACGTGATGGGGGCATCTGTGCCAGGGACAA[C>T]GGGAACACCTGTTGGGAGAAAGGTGTGGGGGAGTCTCTGTAACAGGCGGGAATCCCTGCC-3'
Protein context (NP_001035806.1, residues 156-176): RAIAIAAGVP[Val166Ile]VPGTDAPITS